The following is an entry in ClinVar:

NM_138691.3(TMC1):c.1708G>T (p.Glu570Ter)

Gene: TMC1 (transmembrane channel like 1; plus strand). Cytogenetic location: 9q21.13.
Variant type: single nucleotide variant.
Coding change: c.1708G>T on transcript NM_138691.3 (MANE Select); coding-DNA position 1708, G replaced by T.
Protein change: p.Glu570Ter; replaces glutamic acid 570 with a stop codon.
Molecular consequence: nonsense.
Genome position (GRCh38, 1-based): chr9:72,816,155, G>T. VCF-style: chr9-72816155-G-T. GRCh37 (hg19) VCF-style: chr9-75431071-G-T.
Other names: short protein forms E570*.
Identifiers: ClinVar variation 3767328 (VCV003767328.1).

ClinVar aggregate classification (germline): Pathogenic (1 of 4 stars; one submission).

Conditions:
Autosomal recessive nonsyndromic hearing loss 7. Also called: DEAFNESS, AUTOSOMAL RECESSIVE 11. Identifiers: Orphanet 90636, MedGen C1832978, MONDO:0010967, OMIM 600974.

gnomAD v4.1: 2 of 1,613,368 alleles (0.00012%); highest among the groups gnomAD compares: African/African-American, 0.0013%; no homozygotes.

Submission:

Wonkam Laboratory, Johns Hopkins University
Classification: Pathogenic for Autosomal recessive nonsyndromic hearing loss 7. Last evaluated: 2024-01-06. Review status: criteria provided, single submitter. Criteria: ACMG Guidelines, 2015. Collection method: research. Allele origin: germline. Inheritance: Autosomal recessive inheritance. Affected: yes. Observed: 2 variant alleles.
Comment: This variant TMC1 c.1708G>T NM_138691.2 is a null variant (nonsense, frameshift, canonical +- 2 splice sites, initiation codon, single or multiexon deletion) in a gene where LOF is a known mechanism of disease (PVS1), the variant is absent Absent from controls (or at extremely low frequency if recessive) in Exome Sequencing Project, 1000 Genomes Project, or Exome Aggregation Consortium (PM2), Multiple lines of computational evidence support a deleterious effect on the gene or gene product (conservation, evolutionary, splicing impact, etc.) (PP3)